The following is an entry in ClinVar:

NM_001127208.3(TET2):c.664C>T (p.His222Tyr)

Genes: TET2 (tet methylcytosine dioxygenase 2; plus strand), TET2-AS1 (TET2 antisense RNA 1; minus strand). Cytogenetic location: 4q24.
Variant type: single nucleotide variant.
Coding change: c.664C>T on transcript NM_001127208.3 (MANE Select); coding-DNA position 664, C replaced by T.
Protein change: p.His222Tyr; replaces histidine 222 with tyrosine.
Molecular consequence: missense variant.
Genome position (GRCh38, 1-based): chr4:105,234,606, C>T. VCF-style: chr4-105234606-C-T. GRCh37 (hg19) VCF-style: chr4-106155763-C-T.
Other names: c.664C>T, p.His222Tyr (NM_017628.4); short protein forms H222Y.
Identifiers: ClinVar variation 3967551 (VCV003967551.1).

ClinVar aggregate classification (germline): Uncertain significance (1 of 4 stars; one submission).

gnomAD v4.1: 2 of 1,613,950 alleles (0.00012%); highest among the groups gnomAD compares: Non-Finnish European, 0.00017%; no homozygotes.

Submission:

Ambry Genetics
Classification: Uncertain significance. Last evaluated: 2025-04-11. Review status: criteria provided, single submitter. Criteria: Ambry Variant Classification Scheme 2023. Collection method: clinical testing. Allele origin: germline.
Comment: The p.H222Y variant (also known as c.664C>T), located in coding exon 1 of the TET2 gene, results from a C to T substitution at nucleotide position 664. The histidine at codon 222 is replaced by tyrosine, an amino acid with similar properties. This amino acid position is conserved. In addition, this alteration is predicted to be tolerated by in silico analysis. Based on the available evidence, the clinical significance of this variant remains unclear.